The following is an entry in ClinVar:

NM_000180.4(GUCY2D):c.2156T>C (p.Leu719Pro)

Gene: GUCY2D (guanylate cyclase 2D, retinal; plus strand). Cytogenetic location: 17p13.1.
Variant type: single nucleotide variant.
Coding change: c.2156T>C on transcript NM_000180.4 (MANE Select); coding-DNA position 2156, T replaced by C.
Protein change: p.Leu719Pro; replaces leucine 719 with proline.
Molecular consequence: missense variant.
Genome position (GRCh38, 1-based): chr17:8,013,145, T>C. VCF-style: chr17-8013145-T-C. GRCh37 (hg19) VCF-style: chr17-7916463-T-C.
Other names: short protein forms L719P.
Identifiers: ClinVar variation 1476192 (VCV001476192.6), dbSNP rs756464199, ClinGen allele CA8366026.

ClinVar aggregate classification (germline): Uncertain significance (1 of 4 stars; one submission).

Conditions:
Leber congenital amaurosis 1 (LCA1). Also called: RETINAL BLINDNESS, CONGENITAL; AMAUROSIS CONGENITA OF LEBER I; Congenital absence of the rods and cones; Leber's congenital tapetoretinal degeneration; Leber's congenital tapetoretinal dysplasia. Identifiers: Orphanet 65, MedGen C2931258, MONDO:0008764, OMIM 204000.
Cone-rod dystrophy 6 (CORD6). Also called: Cone dystrophy progressive; RETINAL CONE DYSTROPHY 2. Identifiers: Orphanet 1872, MedGen C1866293, MONDO:0011143, OMIM 601777.

Allele frequency attached by ClinVar (database versions not stated): ExAC 0.00001; gnomAD 0.00001; gnomAD exomes 0.00001.
gnomAD v4.1: 11 of 1,613,736 alleles (0.00068%); highest among the groups gnomAD compares: Non-Finnish European, 0.00093%; no homozygotes.

Submission:

Labcorp Genetics (formerly Invitae), Labcorp
Classification: Uncertain significance for Leber congenital amaurosis 1; Cone-rod dystrophy 6. Last evaluated: 2021-09-04. Review status: criteria provided, single submitter. Criteria: Invitae Variant Classification Sherloc (09022015). Collection method: clinical testing. Allele origin: germline.
Comment: This sequence change replaces leucine with proline at codon 719 of the GUCY2D protein (p.Leu719Pro). The leucine residue is highly conserved and there is a moderate physicochemical difference between leucine and proline. This variant is present in population databases (rs756464199, ExAC 0.002%). This variant has not been reported in the literature in individuals affected with GUCY2D-related conditions. Algorithms developed to predict the effect of missense changes on protein structure and function are either unavailable or do not agree on the potential impact of this missense change (SIFT: "Deleterious"; PolyPhen-2: "Benign"; Align-GVGD: "Class C65"). In summary, the available evidence is currently insufficient to determine the role of this variant in disease. Therefore, it has been classified as a Variant of Uncertain Significance.